The following is an entry in ClinVar:

NM_003680.4(YARS1):c.996C>T (p.Ala332=)

Gene: YARS1 (tyrosyl-tRNA synthetase 1; minus strand). Cytogenetic location: 1p35.1.
Variant type: single nucleotide variant.
Coding change: c.996C>T on transcript NM_003680.4 (MANE Select); coding-DNA position 996, C replaced by T.
Protein change: p.Ala332=; no amino-acid change (alanine 332 retained).
Molecular consequence: synonymous variant.
Genome position (GRCh38, 1-based): chr1:32,782,450, G>A on the plus strand (C>T on the coding strand, the complement: YARS1 is on the minus strand). VCF-style: chr1-32782450-G-A. GRCh37 (hg19) VCF-style: chr1-33248051-G-A.
Identifiers: ClinVar variation 762669 (VCV000762669.24), dbSNP rs1003798493, ClinGen allele CA20275619.
Genomic context (GRCh38, chr1:32,782,450, plus strand): 5'-CCAGCTGGCCTTACTCTGCTTTGAGGGATCTGGGTAGGCAGCGCTGGCCAGTTTTTTCAG[G>A]GCAGGGGTATTAAACTTTTCCCGGATTGGATCCAGCAACTTGTTCAGTGCGACTTCAACA-3'
Protein context (NP_003671.1, residues 322-342): DPIREKFNTP[Ala332=]LKKLASAAYP

ClinVar aggregate classification (germline): Likely benign. Review status: criteria provided, multiple submitters, no conflicts (2 of 4 stars). 2 submissions from 2 submitters: Likely benign (2). Last evaluated 2024-10-01.

Conditions:
Charcot-Marie-Tooth disease dominant intermediate C (CMTDIC). Also called: CHARCOT-MARIE-TOOTH NEUROPATHY, DOMINANT INTERMEDIATE C. Identifiers: Orphanet 100045, MedGen C1842237, MONDO:0012012, OMIM 608323.

Allele frequency attached by ClinVar (database versions not stated): gnomAD exomes below 0.00001.
gnomAD v4.1: 5 of 1,614,054 alleles (0.00031%); highest among the groups gnomAD compares: South Asian, 0.0011%; no homozygotes.

Submissions (2):

CeGaT Center for Human Genetics Tuebingen
Classification: Likely benign. Last evaluated: 2024-10-01. Review status: criteria provided, single submitter. Criteria: CeGaT Center For Human Genetics Tuebingen Variant Classification Criteria Version 2. Collection method: clinical testing. Allele origin: germline. Affected: yes. Observed: 1 variant allele.
Comment: YARS1: BP4, BP7

Labcorp Genetics (formerly Invitae), Labcorp
Classification: Likely benign for Charcot-Marie-Tooth disease dominant intermediate C. Last evaluated: 2024-01-22. Review status: criteria provided, single submitter. Criteria: Invitae Variant Classification Sherloc (09022015). Collection method: clinical testing. Allele origin: germline.